The following is an entry in ClinVar:

NM_001164665.2(KIAA1549):c.1622T>C (p.Leu541Ser)

Gene: KIAA1549 (KIAA1549; minus strand). Cytogenetic location: 7q34.
Variant type: single nucleotide variant.
Coding change: c.1622T>C on transcript NM_001164665.2 (MANE Select); coding-DNA position 1622, T replaced by C.
Protein change: p.Leu541Ser; replaces leucine 541 with serine.
Molecular consequence: missense variant.
Genome position (GRCh38, 1-based): chr7:138,918,004, A>G on the plus strand (T>C on the coding strand, the complement: KIAA1549 is on the minus strand). VCF-style: chr7-138918004-A-G. GRCh37 (hg19) VCF-style: chr7-138602750-A-G.
Other names: c.1622T>C, p.Leu541Ser (NM_020910.3); c.1622T>C (NM_001164665.1); short protein forms L541S.
Identifiers: ClinVar variation 1516138 (VCV001516138.6), dbSNP rs1181178656, ClinGen allele CA369397975.
Genomic context (GRCh38, chr7:138,918,004, plus strand): 5'-ATGACCGAGAAAAATGCAGTGGTCACGCTGGATGGCGTCACTTGGGTTTCAGCAACAGAC[A>G]AGGAGCCAGCAGTAGGATCAAGTGACGCCGGCACAGAGAGGCGGCCGTGGGCAGGGGGAA-3'
Protein context (NP_001158137.1, residues 531-551): PASLDPTAGS[Leu541Ser]SVAETQVTPS

ClinVar aggregate classification (germline): Conflicting classifications of pathogenicity. Review status: criteria provided, conflicting classifications (1 of 4 stars). 2 submissions from 2 submitters: Uncertain significance (1); Likely benign (1). Last evaluated 2021-12-07.

Conditions:
Inborn genetic diseases. Identifiers: MedGen C0950123, MeSH D030342.

Allele frequency attached by ClinVar (database versions not stated): gnomAD exomes below 0.00001; TOPMed 0.00002.
gnomAD v4.1: 1 of 1,602,430 alleles (0.000062%); highest among the groups gnomAD compares: Non-Finnish European, 0.000085%; no homozygotes.

Submissions (2):

Ambry Genetics
Classification: Likely benign for Inborn genetic diseases. Last evaluated: 2021-12-07. Review status: criteria provided, single submitter. Criteria: Ambry Variant Classification Scheme 2023. Collection method: clinical testing. Allele origin: germline.

Labcorp Genetics (formerly Invitae), Labcorp
Classification: Uncertain significance. Last evaluated: 2021-08-27. Review status: criteria provided, single submitter. Criteria: Invitae Variant Classification Sherloc (09022015). Collection method: clinical testing. Allele origin: germline.
Comment: This sequence change replaces leucine with serine at codon 541 of the KIAA1549 protein (p.Leu541Ser). The leucine residue is weakly conserved and there is a large physicochemical difference between leucine and serine. This variant is not present in population databases (ExAC no frequency). This variant has not been reported in the literature in individuals affected with KIAA1549-related conditions. Algorithms developed to predict the effect of missense changes on protein structure and function output the following: SIFT: "Tolerated"; PolyPhen-2: "Benign"; Align-GVGD: "Class C0". The serine amino acid residue is found in multiple mammalian species, which suggests that this missense change does not adversely affect protein function. In summary, the available evidence is currently insufficient to determine the role of this variant in disease. Therefore, it has been classified as a Variant of Uncertain Significance.